The following is an entry in ClinVar:

ClinVar aggregate classification (germline): Uncertain significance (1 of 4 stars; one submission).

Submission:

Labcorp Genetics (formerly Invitae), Labcorp
Classification: Uncertain significance. Last evaluated: 2025-02-26. Review status: criteria provided, single submitter. Criteria: Invitae Variant Classification Sherloc (09022015). Collection method: clinical testing. Allele origin: germline.
Comment: This sequence change replaces proline, which is neutral and non-polar, with serine, which is neutral and polar, at codon 163 of the ITGAM protein (p.Pro163Ser). This variant is not present in population databases (gnomAD no frequency). This variant has not been reported in the literature in individuals affected with ITGAM-related conditions. An algorithm developed to predict the effect of missense changes on protein structure and function outputs the following: PolyPhen-2: "Benign". The serine amino acid residue is found in multiple mammalian species, which suggests that this missense change does not adversely affect protein function. In summary, the available evidence is currently insufficient to determine the role of this variant in disease. Therefore, it has been classified as a Variant of Uncertain Significance.

NM_000632.4(ITGAM):c.487C>T (p.Pro163Ser)

Gene: ITGAM (integrin subunit alpha M; plus strand). Cytogenetic location: 16p11.2.
Variant type: single nucleotide variant.
Coding change: c.487C>T on transcript NM_000632.4 (MANE Select); coding-DNA position 487, C replaced by T.
Protein change: p.Pro163Ser; replaces proline 163 with serine.
Molecular consequence: missense variant.
Genome position (GRCh38, 1-based): chr16:31,271,013, C>T. VCF-style: chr16-31271013-C-T. GRCh37 (hg19) VCF-style: chr16-31282334-C-T.
Other names: c.487C>T, p.Pro163Ser (NM_001145808.2); short protein forms P163S.
Identifiers: ClinVar variation 4781177 (VCV004781177.1).
Genomic context (GRCh38, chr16:31,271,013, plus strand): 5'-GGGTGTCCTCAAGAGGATAGTGACATTGCCTTCTTGATTGATGGCTCTGGTAGCATCATC[C>T]CACATGACTTTCGGCGGATGAAGGAGTTTGTCTCAACTGTGATGGAGCAATTAAAAAAGT-3'
Protein context (NP_000623.2, residues 153-173): FLIDGSGSII[Pro163Ser]HDFRRMKEFV